The following is an entry in ClinVar:

ClinVar aggregate classification (germline): Uncertain significance. Review status: criteria provided, multiple submitters, no conflicts (2 of 4 stars). 2 submissions from 2 submitters: Uncertain significance (2). Last evaluated 2025-08-19.

Conditions:
Cardiovascular phenotype. Identifiers: MedGen CN230736.
Long QT syndrome (LQTS). Identifiers: MedGen C0023976, MeSH D008133, MONDO:0002442. Disease mechanism: loss of function. Inheritance: Various modes of inheritance.

Allele frequency attached by ClinVar (database versions not stated): gnomAD exomes 0.00001 and 0.00002; TOPMed 0.00001.
gnomAD v4.1: 11 of 1,613,046 alleles (0.00068%); highest among the groups gnomAD compares: East Asian, 0.0022%; no homozygotes.

Submissions (2):

Ambry Genetics
Classification: Uncertain significance for Cardiovascular phenotype. Last evaluated: 2025-08-19. Review status: criteria provided, single submitter. Criteria: Ambry Variant Classification Scheme 2023. Collection method: clinical testing. Allele origin: germline.
Comment: The p.K3000N variant (also known as c.9000G>T), located in coding exon 36 of the AKAP9 gene, results from a G to T substitution at nucleotide position 9000. The lysine at codon 3000 is replaced by asparagine, an amino acid with similar properties. This amino acid position is conserved. In addition, this alteration is predicted to be tolerated by in silico analysis. Based on the available evidence, the clinical significance of this variant remains unclear.

Labcorp Genetics (formerly Invitae), Labcorp
Classification: Uncertain significance for Long QT syndrome. Last evaluated: 2016-01-12. Review status: criteria provided, single submitter. Criteria: Invitae Variant Classification Sherloc (09022015). Collection method: clinical testing. Allele origin: germline.
Comment: This sequence change replaces lysine with asparagine at codon 3000 of the AKAP9 protein (p.Lys3000Asn). The lysine residue is highly conserved and there is a moderate physicochemical difference between lysine and asparagine. This variant is present in population databases (rs749082483, ExAC <0.01%) but has not been reported in the literature in individuals with a AKAP9-related disease. Algorithms developed to predict the effect of missense changes on protein structure and function (SIFT, PolyPhen-2, Align-GVGD) all suggest that this variant is likely to be disruptive, but these predictions have not been confirmed by published functional studies. In summary, this is a rare missense change with uncertain impact on protein function. There is no indication that this variant causes disease, but the evidence is insufficient at this time to prove that conclusively. Therefore, it has been classified as a Variant of Uncertain Significance.

NM_005751.5(AKAP9):c.9000G>T (p.Lys3000Asn)

Gene: AKAP9 (A-kinase anchoring protein 9; plus strand). Cytogenetic location: 7q21.2.
Variant type: single nucleotide variant.
Coding change: c.9000G>T on transcript NM_005751.5 (MANE Select); coding-DNA position 9000, G replaced by T.
Protein change: p.Lys3000Asn; replaces lysine 3000 with asparagine.
Molecular consequence: missense variant.
Genome position (GRCh38, 1-based): chr7:92,085,662, G>T. VCF-style: chr7-92085662-G-T. GRCh37 (hg19) VCF-style: chr7-91714976-G-T.
Other names: c.3645G>T, p.Lys1215Asn (NM_001379277.1); c.8976G>T, p.Lys2992Asn (NM_147185.3); short protein forms K3000N, K2992N, K1215N.
Identifiers: ClinVar variation 240263 (VCV000240263.9), dbSNP rs749082483, ClinGen allele CA4337628.